The following is an entry in ClinVar:

NM_023036.6(DNAI2):c.853A>G (p.Thr285Ala)

Gene: DNAI2 (dynein axonemal intermediate chain 2; plus strand). Cytogenetic location: 17q25.1.
Variant type: single nucleotide variant.
Coding change: c.853A>G on transcript NM_023036.6 (MANE Select); coding-DNA position 853, A replaced by G.
Protein change: p.Thr285Ala; replaces threonine 285 with alanine.
Molecular consequence: missense variant. On other transcripts: non-coding transcript variant (1).
Genome position (GRCh38, 1-based): chr17:74,299,846, A>G. VCF-style: chr17-74299846-A-G. GRCh37 (hg19) VCF-style: chr17-72295985-A-G.
Other names: c.853A>G, p.Thr285Ala (NM_001172810.3, NM_001353167.2); short protein forms T285A.
Identifiers: ClinVar variation 2564026 (VCV002564026.2), dbSNP rs2509734625, ClinGen allele CA400908860.
Genomic context (GRCh38, chr17:74,299,846, plus strand): 5'-CCTGTGTATGGCACCATCTGGCTGCAGTCGAAGACGGGCACCGAGTGCTTCTCAGCTTCC[A>G]CGGATGGGCAGGTACCCACCAGCCAGACACTGGAGAGAGGAGGGAAGGGAGGGGCAGTAA-3'
Protein context (NP_075462.3, residues 275-295): KTGTECFSAS[Thr285Ala]DGQVMWWDIR

ClinVar aggregate classification (germline): Uncertain significance (1 of 4 stars; one submission).

Conditions:
Primary ciliary dyskinesia. Also called: Ciliary dyskinesia. Identifiers: Orphanet 244, MedGen C0008780, MONDO:0016575, HP:0012265.

Allele frequency attached by ClinVar (database versions not stated): gnomAD exomes below 0.00001.
gnomAD v4.1: 2 of 1,613,394 alleles (0.00012%); highest among the groups gnomAD compares: Middle Eastern, 0.033%; no homozygotes.

Submission:

Ambry Genetics
Classification: Uncertain significance for Primary ciliary dyskinesia. Last evaluated: 2023-04-05. Review status: criteria provided, single submitter. Criteria: Ambry Variant Classification Scheme 2023. Collection method: clinical testing. Allele origin: germline.
Comment: The p.T285A variant (also known as c.853A>G), located in coding exon 6 of the DNAI2 gene, results from an A to G substitution at nucleotide position 853. The threonine at codon 285 is replaced by alanine, an amino acid with similar properties. This amino acid position is conserved. In addition, the in silico prediction for this alteration is inconclusive. Since supporting evidence is limited at this time, the clinical significance of this alteration remains unclear.